The following is an entry in ClinVar:

NM_000501.4(ELN):c.1358-253G>A

Gene: ELN (elastin; plus strand). Cytogenetic location: 7q11.23.
Variant type: single nucleotide variant.
Coding change: c.1358-253G>A on transcript NM_000501.4 (MANE Select); 253 bases into the intron before coding-DNA position 1358, G replaced by A.
Molecular consequence: intron variant. On other transcripts: missense variant (1).
Genome position (GRCh38, 1-based): chr7:74,057,387, G>A. VCF-style: chr7-74057387-G-A. GRCh37 (hg19) VCF-style: chr7-73471717-G-A.
Other names: c.1363G>A, p.Ala455Thr (NM_001278939.2); c.1373-253G>A (NM_001081754.3); c.1372+674G>A (NM_001081753.3); c.1358-253G>A (NM_001278915.2, NM_001278912.2); c.1357+674G>A (NM_001081755.3); c.1315+674G>A (NM_001278916.2); c.1171+674G>A (NM_001278913.2); c.1342+674G>A (NM_001278914.2); and 3 more; short protein forms A455T.
Identifiers: ClinVar variation 389824 (VCV000389824.41), dbSNP rs370619098, ClinGen allele CA4292974.
Genomic context (GRCh38, chr7:74,057,387, plus strand): 5'-CCCCCAAAAAGTGAGTACTGGGAGGGGCAAGGCTGAAAGTTCTCCACTCCCCGAGGTGCT[G>A]CAGGAGCAGGAGTGCTGGGTGGGCTAGTGCCAGGTGCCCCAGGCGCAGTCCCAGGTGTGC-3'

ClinVar aggregate classification (germline): Likely benign. Review status: criteria provided, multiple submitters, no conflicts (2 of 4 stars). 9 submissions from 9 submitters: Likely benign (6). 3 of the submissions do not count toward it. Last evaluated 2026-09-01.

Conditions:
Supravalvar aortic stenosis (SVAS). Also called: Supravalvar aortic stenosis, Eisenberg type. Identifiers: Orphanet 3193, MedGen C0003499, MONDO:0008504, OMIM 185500, HP:0004381.

Allele frequency attached by ClinVar (database versions not stated): 1000 Genomes Project 30x 0.00031; 1000 Genomes Project 0.00040; gnomAD 0.00136; ESP Exome Variant Server 0.00140; gnomAD exomes 0.00141 and 0.00180; ExAC 0.00160; TOPMed 0.00172.
gnomAD v4.1: 2,610 of 1,500,558 alleles (0.17%); highest among the groups gnomAD compares: Middle Eastern, 0.25%; 1 homozygote.

Submissions (9):

CeGaT Center for Human Genetics Tuebingen
Classification: Likely benign. Last evaluated: 2026-09-01. Review status: criteria provided, single submitter. Criteria: CeGaT Center For Human Genetics Tuebingen Variant Classification Criteria Version 2. Collection method: clinical testing. Allele origin: germline. Affected: yes. Observed: 8 variant alleles.
Comment: ELN: BP4, BS1

Molecular Diagnostic Laboratory for Inherited Cardiovascular Disease, Montreal Heart Institute
Classification: Likely benign. Last evaluated: 2026-03-27. Review status: criteria provided, single submitter. Criteria: ACMG Guidelines, 2015. Collection method: clinical testing. Allele origin: germline. Affected: no.
Comment: BS1;BP4

Labcorp Genetics (formerly Invitae), Labcorp
Classification: Likely benign for Supravalvar aortic stenosis. Last evaluated: 2026-01-26. Review status: criteria provided, single submitter. Criteria: Invitae Variant Classification Sherloc (09022015). Collection method: clinical testing. Allele origin: germline.

Blueprint Genetics
Classification: Likely benign. Last evaluated: 2024-11-23. Review status: criteria provided, single submitter. Criteria: ACMG Guidelines, 2015. Collection method: clinical testing. Allele origin: germline.

Women's Health and Genetics/Laboratory Corporation of America, LabCorp
Classification: Likely benign. Last evaluated: 2024-11-19. Review status: criteria provided, single submitter. Criteria: LabCorp Variant Classification Summary - May 2015. Collection method: clinical testing. Allele origin: germline.

GeneDx
Classification: Likely benign. Last evaluated: 2021-10-26. Review status: criteria provided, single submitter. Criteria: GeneDx Variant Classification Process June 2021. Collection method: clinical testing. Allele origin: germline. Affected: yes.
Comment: This variant is associated with the following publications: (PMID: 11735026, 15990952, 10942104)

Clinical Genetics DNA and cytogenetics Diagnostics Lab, Erasmus MC, Erasmus Medical Center
Classification: Likely benign. Review status: no assertion criteria provided. Collection method: clinical testing. Allele origin: germline. Affected: yes. Study: VKGL Data-share Consensus. Not counted in ClinVar's aggregate classification.

Genome Diagnostics Laboratory, University Medical Center Utrecht
Classification: Likely benign. Review status: no assertion criteria provided. Collection method: clinical testing. Allele origin: germline. Affected: yes. Study: VKGL Data-share Consensus. Not counted in ClinVar's aggregate classification.

Laboratory of Diagnostic Genome Analysis, Leiden University Medical Center (LUMC)
Classification: Likely benign. Review status: no assertion criteria provided. Collection method: clinical testing. Allele origin: germline. Affected: yes. Study: VKGL Data-share Consensus. Not counted in ClinVar's aggregate classification.